The following is an entry in ClinVar:

ClinVar aggregate classification (germline): Uncertain significance (1 of 4 stars; one submission).

gnomAD v4.1: 3 of 1,609,782 alleles (0.00019%); highest among the groups gnomAD compares: Non-Finnish European, 0.00017%; no homozygotes.

Submission:

Labcorp Genetics (formerly Invitae), Labcorp
Classification: Uncertain significance. Last evaluated: 2025-11-17. Review status: criteria provided, single submitter. Criteria: Invitae Variant Classification Sherloc (09022015). Collection method: clinical testing. Allele origin: germline.
Comment: This sequence change replaces aspartic acid, which is acidic and polar, with valine, which is neutral and non-polar, at codon 1269 of the SETBP1 protein (p.Asp1269Val). This variant is present in population databases (rs79938638, gnomAD 0.0009%). This variant has not been reported in the literature in individuals affected with SETBP1-related conditions. An algorithm developed to predict the effect of missense changes on protein structure and function (PolyPhen-2) suggests that this variant is likely to be tolerated. In summary, the available evidence is currently insufficient to determine the role of this variant in disease. Therefore, it has been classified as a Variant of Uncertain Significance.

NM_015559.3(SETBP1):c.3806A>T (p.Asp1269Val)

Gene: SETBP1 (SET binding protein 1; plus strand). Cytogenetic location: 18q12.3.
Variant type: single nucleotide variant.
Coding change: c.3806A>T on transcript NM_015559.3 (MANE Select); coding-DNA position 3806, A replaced by T.
Protein change: p.Asp1269Val; replaces aspartic acid 1269 with valine.
Molecular consequence: missense variant.
Genome position (GRCh38, 1-based): chr18:44,953,146, A>T. VCF-style: chr18-44953146-A-T. GRCh37 (hg19) VCF-style: chr18-42533111-A-T.
Other names: c.3806A>T, p.Asp1269Val (NM_001379141.1, NM_001379142.1, NM_001410862.1); short protein forms D1269V.
Identifiers: ClinVar variation 4810379 (VCV004810379.1).